The following is an entry in ClinVar:

ClinVar aggregate classification (germline): Benign/Likely benign. Review status: criteria provided, multiple submitters, no conflicts (2 of 4 stars). 26 submissions from 26 submitters: Benign (11); Likely benign (6). 9 of the submissions do not count toward it. Last evaluated 2026-10-01.

Conditions:
APC-Associated Polyposis Disorders.
Hereditary cancer-predisposing syndrome. Also called: Neoplastic Syndromes, Hereditary; Tumor predisposition; Hereditary neoplastic syndrome; Hereditary Cancer Syndrome. Identifiers: Orphanet 140162, MedGen C0027672, MeSH D009386, MONDO:0015356.
Familial adenomatous polyposis 1 (FAP1). Also called: POLYPOSIS, ADENOMATOUS INTESTINAL; FAMILIAL ADENOMATOUS POLYPOSIS 1, ATTENUATED. Identifiers: MedGen C2713442, MONDO:0021056, OMIM 175100. Disease mechanism: loss of function.
Carcinoma of colon (CRC). Also called: Colonic carcinoma; Colon carcinoma. Identifiers: MedGen C0699790, MONDO:0002032.

Allele frequency attached by ClinVar (database versions not stated): 1000 Genomes Project 30x 0.00062; 1000 Genomes Project 0.00080; gnomAD 0.00136 and 0.00143; ExAC 0.00140; gnomAD exomes 0.00145; TOPMed 0.00155; ESP Exome Variant Server 0.00246.

Submissions (26):

CeGaT Center for Human Genetics Tuebingen
Classification: Likely benign. Last evaluated: 2026-10-01. Review status: criteria provided, single submitter. Criteria: CeGaT Center For Human Genetics Tuebingen Variant Classification Criteria Version 2. Collection method: clinical testing. Allele origin: germline. Affected: yes. Observed: 31 variant alleles.
Comment: APC: BP4, BP7, BS1

Labcorp Genetics (formerly Invitae), Labcorp
Classification: Benign for Familial adenomatous polyposis 1. Last evaluated: 2026-02-04. Review status: criteria provided, single submitter. Criteria: Invitae Variant Classification Sherloc (09022015). Collection method: clinical testing. Allele origin: germline.

ARUP Laboratories, Molecular Genetics and Genomics, ARUP Laboratories
Classification: Benign. Last evaluated: 2025-07-29. Review status: criteria provided, single submitter. Criteria: ARUP Molecular Germline Variant Investigation Process 2024. Collection method: clinical testing. Allele origin: germline.

Center for Genomic Medicine, Rigshospitalet, Copenhagen University Hospital
Classification: Likely benign. Last evaluated: 2025-03-04. Review status: criteria provided, single submitter. Criteria: ACMG Guidelines, 2015. Collection method: clinical testing. Allele origin: germline.

Blueprint Genetics
Classification: Likely benign. Last evaluated: 2024-11-25. Review status: criteria provided, single submitter. Criteria: ACMG Guidelines, 2015. Collection method: clinical testing. Allele origin: germline.

Myriad Genetics, Inc.
Classification: Benign for Familial adenomatous polyposis 1. Last evaluated: 2024-04-08. Review status: criteria provided, single submitter. Criteria: Myriad Autosomal Dominant, Autosomal Recessive and X-Linked Classification Criteria (2023). Collection method: clinical testing. Allele origin: unknown.
Comment: This variant is considered benign. This variant is a silent/synonymous amino acid change and it is not expected to impact splicing.

Institute for Biomarker Research, Medical Diagnostic Laboratories, L.L.C.
Classification: Benign for Hereditary cancer-predisposing syndrome. Last evaluated: 2023-04-18. Review status: criteria provided, single submitter. Criteria: ACMG Guidelines, 2015. Collection method: clinical testing. Allele origin: germline.

Institute for Clinical Genetics, University Hospital TU Dresden, University Hospital TU Dresden
Classification: Likely benign. Last evaluated: 2021-11-03. Review status: criteria provided, single submitter. Criteria: ACMG Guidelines, 2015. Collection method: clinical testing. Allele origin: germline.

Sema4
Classification: Benign for Hereditary cancer-predisposing syndrome. Last evaluated: 2020-10-18. Review status: criteria provided, single submitter. Criteria: Sema4 Curation Guidelines. Collection method: curation. Allele origin: germline.

Illumina Laboratory Services, Illumina
Classification: Benign for APC-Associated Polyposis Disorders. Last evaluated: 2018-01-12. Review status: criteria provided, single submitter. Criteria: ICSL Variant Classification Criteria 13 December 2019. Collection method: clinical testing. Allele origin: germline.
Comment: This variant was observed in the ICSL laboratory as part of a predisposition screen in an ostensibly healthy population. It had not been previously curated by ICSL or reported in the Human Gene Mutation Database (HGMD: prior to June 1st, 2018), and was therefore a candidate for classification through an automated scoring system. Utilizing variant allele frequency, disease prevalence and penetrance estimates, and inheritance mode, an automated score was calculated to assess if this variant is too frequent to cause the disease. Based on the score and internal cut-off values, a variant classified as benign is not then subjected to further curation. The score for this variant resulted in a classification of benign for this disease.

Genetic Services Laboratory, University of Chicago
Classification: Likely benign. Last evaluated: 2017-04-27. Review status: criteria provided, single submitter. Criteria: ACMG Guidelines, 2015. Collection method: clinical testing. Allele origin: germline. Affected: no.

PreventionGenetics, part of Exact Sciences
Classification: Benign. Last evaluated: 2017-03-03. Review status: criteria provided, single submitter. Criteria: ACMG Guidelines, 2015. Collection method: clinical testing. Allele origin: germline.

Color Diagnostics, LLC DBA Color Health
Classification: Benign for Hereditary cancer-predisposing syndrome. Last evaluated: 2016-03-18. Review status: criteria provided, single submitter. Criteria: ACMG Guidelines, 2015. Collection method: clinical testing. Allele origin: germline.

Women's Health and Genetics/Laboratory Corporation of America, LabCorp
Classification: Benign. Last evaluated: 2016-02-23. Review status: criteria provided, single submitter. Criteria: LabCorp Variant Classification Summary - May 2015. Collection method: clinical testing. Allele origin: germline.
Comment: Variant summary: The APC c.6921G>A variant affects a non-conserved nucleotide, resulting in a synonymous change at Ser2307. 5/5 Alamut algorithms predict no significant change to normal splicing. ESEfinder predicts a loss of binding motif for RNA splicing enhancer. These in silico predictions have not been verified with in vitro/in vivo functional studies. This variant was found in 169/120898 control chromosomes at a frequency of 0.0013979, which is about 23 times the maximal expected frequency of a pathogenic APC allele (0.0000602), suggesting this variant is benign. In addition, multiple clinical laboratories database classified this variant as benign. Taken together, this variant was classified as benign.

Ambry Genetics
Classification: Benign for Hereditary cancer-predisposing syndrome. Last evaluated: 2014-12-13. Review status: criteria provided, single submitter. Criteria: Ambry Variant Classification Scheme 2023. Collection method: clinical testing. Allele origin: germline.

GeneDx
Classification: Benign. Last evaluated: 2014-01-06. Review status: criteria provided, single submitter. Criteria: GeneDx Variant Classification (06012015). Collection method: clinical testing. Allele origin: germline. Affected: yes.
Comment: This variant is considered likely benign or benign based on one or more of the following criteria: it is a conservative change, it occurs at a poorly conserved position in the protein, it is predicted to be benign by multiple in silico algorithms, and/or has population frequency not consistent with disease.

Breakthrough Genomics
Classification: Likely benign. Review status: criteria provided, single submitter. Criteria: ACMG Guidelines, 2015. Collection method: not provided. Allele origin: germline. Inheritance: Autosomal dominant inheritance. Affected: yes.

True Health Diagnostics
Classification: Likely benign for Hereditary cancer-predisposing syndrome. Last evaluated: 2017-09-11. Review status: no assertion criteria provided. Collection method: clinical testing. Allele origin: germline. Not counted in ClinVar's aggregate classification.

Clinical Genetics DNA and cytogenetics Diagnostics Lab, Erasmus MC, Erasmus Medical Center
Classification: Likely benign. Review status: no assertion criteria provided. Collection method: clinical testing. Allele origin: germline. Affected: yes. Study: VKGL Data-share Consensus. Not counted in ClinVar's aggregate classification.

Clinical Genetics, Academic Medical Center
Classification: Likely benign. Review status: no assertion criteria provided. Collection method: clinical testing. Allele origin: germline. Affected: yes. Study: VKGL Data-share Consensus. Not counted in ClinVar's aggregate classification.

Department of Pathology and Laboratory Medicine, Sinai Health System
Classification: Likely benign for Carcinoma of colon. Review status: no assertion criteria provided. Collection method: clinical testing. Allele origin: unknown. Affected: yes. Observed: 1 variant allele. Study: The Canadian Open Genetics Repository (COGR). Not counted in ClinVar's aggregate classification.
Comment: The APC, c.6921G>A, p.Ser2307Ser variant is not expected to have clinical significance because it does not alter an amino acid residue and is not located near a splice junction. It is listed in dbSNP database (ID#: rs2229993) with a global minor allele frequency (MAF) of 0.001/3. It has been reported in the InSiGHT colon cancer database as a rare familial variant found in a proband with an attenuated colorectal phenotype and sebaceous cysts. The number of probands with the variant, was not provided. In addition, this variant is not of the type that is expected to cause the disorder. In summary, we cannot rule out the possibility that this variant may contribute to the phenotype in this individual, but based on the above information this variant is classified as predicted benign.

Diagnostic Laboratory, Department of Genetics, University Medical Center Groningen
Classification: Likely benign. Review status: no assertion criteria provided. Collection method: clinical testing. Allele origin: germline. Affected: yes. Study: VKGL Data-share Consensus. Not counted in ClinVar's aggregate classification.

Genome Diagnostics Laboratory, Amsterdam University Medical Center
Classification: Benign. Review status: no assertion criteria provided. Collection method: clinical testing. Allele origin: germline. Affected: yes. Study: VKGL Data-share Consensus. Not counted in ClinVar's aggregate classification.

Joint Genome Diagnostic Labs from Nijmegen and Maastricht, Radboudumc and MUMC+
Classification: Benign. Review status: no assertion criteria provided. Collection method: clinical testing. Allele origin: germline. Affected: yes. Study: VKGL Data-share Consensus. Not counted in ClinVar's aggregate classification.

Laboratory of Diagnostic Genome Analysis, Leiden University Medical Center (LUMC)
Classification: Benign. Review status: no assertion criteria provided. Collection method: clinical testing. Allele origin: germline. Affected: yes. Study: VKGL Data-share Consensus. Not counted in ClinVar's aggregate classification.

Mayo Clinic Laboratories, Mayo Clinic
Classification: Likely benign. Review status: no assertion criteria provided. Collection method: clinical testing. Allele origin: unknown. Not counted in ClinVar's aggregate classification.

Literature cited by the submitters: PubMed 20233475 (cited by Women's Health and Genetics/Laboratory Corporation of America, LabCorp).

NM_000038.6(APC):c.6921G>A (p.Ser2307=)

Gene: APC (APC regulator of Wnt signaling pathway; plus strand). Cytogenetic location: 5q22.2.
Variant type: single nucleotide variant.
Coding change: c.6921G>A on transcript NM_000038.6 (MANE Select); coding-DNA position 6921, G replaced by A.
Protein change: p.Ser2307=; no amino-acid change (serine 2307 retained).
Molecular consequence: synonymous variant.
Genome position (GRCh38, 1-based): chr5:112,842,515, G>A. VCF-style: chr5-112842515-G-A. GRCh37 (hg19) VCF-style: chr5-112178212-G-A.
Other names: p.S2307S:TCG>TCA; CCDS4107.1:c.6921G>A; c.6921G>A (LRG_130t1); c.6921G>A, p.Ser2307= (NM_001127510.3, NM_001354895.2); c.6867G>A, p.Ser2289= (NM_001127511.3); c.6975G>A, p.Ser2325= (NM_001354896.2); c.6951G>A, p.Ser2317= (NM_001354897.2); c.6846G>A, p.Ser2282= (NM_001354898.2); and 8 more.
Identifiers: ClinVar variation 136411 (VCV000136411.92), dbSNP rs2229993, ClinGen allele CA012655.